The following is an entry in ClinVar:

ClinVar aggregate classification (germline): Pathogenic/Likely pathogenic. Review status: criteria provided, multiple submitters, no conflicts (2 of 4 stars). 3 submissions from 3 submitters: Pathogenic (1); Likely pathogenic (2). Last evaluated 2025-09-03.

Conditions:
Methylcrotonyl-CoA carboxylase deficiency. Also called: 3-MCC Deficiency; Deficiency of methylcrotonoyl-CoA carboxylase; 3 Methylcrotonylglycinuria. Identifiers: Orphanet 6, MedGen C4551505, MONDO:0018950.
3-methylcrotonyl-CoA carboxylase 2 deficiency. Also called: METHYLCROTONYLGLYCINURIA, TYPE II; 3 alpha methylcrotonyl-CoA carboxylase 2 deficiency; 3 alpha methylcrotonylglycinuria 2; MCC 2 deficiency; Methylcrotonylglycinuria type 2. Identifiers: Orphanet 6, MedGen C1859499, MONDO:0008862, OMIM 210210.

Submissions (3):

Labcorp Genetics (formerly Invitae), Labcorp
Classification: Pathogenic for 3-methylcrotonyl-CoA carboxylase 2 deficiency. Last evaluated: 2025-09-03. Review status: criteria provided, single submitter. Criteria: Invitae Variant Classification Sherloc (09022015). Collection method: clinical testing. Allele origin: germline.
Comment: This sequence change replaces proline, which is neutral and non-polar, with alanine, which is neutral and non-polar, at codon 397 of the MCCC2 protein (p.Pro397Ala). This variant is not present in population databases (gnomAD no frequency). This missense change has been observed in individual(s) with clinical and/or biochemical features of 3-methylcrotonyl-CoA carboxylase deficiency (PMID: 38146699; internal data). In at least one individual the data is consistent with being in trans (on the opposite chromosome) from a pathogenic variant. It has also been observed to segregate with disease in related individuals. ClinVar contains an entry for this variant (Variation ID: 1477647). Invitae Evidence Modeling of protein sequence and biophysical properties (such as structural, functional, and spatial information, amino acid conservation, physicochemical variation, residue mobility, and thermodynamic stability) has been performed for this missense variant. However, the output from this modeling did not meet the statistical confidence thresholds required to predict the impact of this variant on MCCC2 protein function. For these reasons, this variant has been classified as Pathogenic.

Women's Health and Genetics/Laboratory Corporation of America, LabCorp
Classification: Likely pathogenic for Methylcrotonyl-CoA carboxylase deficiency. Last evaluated: 2025-07-11. Review status: criteria provided, single submitter. Criteria: LabCorp Variant Classification Summary - May 2015. Collection method: clinical testing. Allele origin: germline.
Comment: Variant summary: MCCC2 c.1189C>G (p.Pro397Ala) results in a non-conservative amino acid change located in the Acetyl-coenzyme A carboxyltransferase, C-terminal domain (IPR011763) of the encoded protein sequence. Algorithms developed to predict the effect of missense changes on protein structure and function all suggest that this variant is likely to be disruptive. The variant was absent in 251330 control chromosomes. c.1189C>G has been observed in individuals affected with Methylcrotonyl-CoA Carboxylase Deficiency (Cook_2024, LCG internal data). These data indicate that the variant is likely to be associated with disease. To our knowledge, no experimental evidence demonstrating an impact on protein function has been reported. The following publications have been ascertained in the context of this evaluation (PMID: 38146699). ClinVar contains an entry for this variant (Variation ID: 1477647). Based on the evidence outlined above, the variant was classified as likely pathogenic.

Laboratory for Molecular Medicine, Mass General Brigham Personalized Medicine
Classification: Likely pathogenic for Methylcrotonyl-CoA carboxylase deficiency. Last evaluated: 2024-02-21. Review status: criteria provided, single submitter. Criteria: ACMG Guidelines, 2015. Collection method: clinical testing. Allele origin: germline. Inheritance: Autosomal recessive inheritance.
Comment: The p.Pro397Ala variant in MCCC2 has been reported in the compound heterozygous state with another potentially disease-causing variant in MCCC2 (confirmed in trans) in 1 individual with 3-methylcrotonyl-CoA carboxylase deficiency (3-MCC deficiency) and segregated with disease in 2 affected relatives from 1 family (Invitae pers. comm.). The individual was also confirmed to have 3-MCC deficiency biochemically. The variant was absent from large population studies (gnomAD, v3.1.2). Computational prediction tools and conservation analyses suggest that this variant may impact the protein. In summary, although additional studies are required to fully establish its clinical significance, this variant meets criteria to be classified as likely pathogenic for autosomal recessive 3-methylcrotonyl-CoA carboxylase deficiency. ACMG/AMP Criteria applied: PP1_Moderate, PM3, PM2_Supporting, PP3, PP4.

Literature cited by the submitters: PubMed 38146699 (cited by Labcorp Genetics (formerly Invitae), Labcorp and Women's Health and Genetics/Laboratory Corporation of America, LabCorp).

NM_022132.5(MCCC2):c.1189C>G (p.Pro397Ala)

Gene: MCCC2 (methylcrotonyl-CoA carboxylase subunit 2; plus strand). Cytogenetic location: 5q13.2.
Variant type: single nucleotide variant.
Coding change: c.1189C>G on transcript NM_022132.5 (MANE Select); coding-DNA position 1189, C replaced by G.
Protein change: p.Pro397Ala; replaces proline 397 with alanine.
Molecular consequence: missense variant.
Genome position (GRCh38, 1-based): chr5:71,646,250, C>G. VCF-style: chr5-71646250-C-G. GRCh37 (hg19) VCF-style: chr5-70942077-C-G.
Other names: c.1075C>G, p.Pro359Ala (NM_001363147.1); short protein forms P397A, P359A.
Identifiers: ClinVar variation 1477647 (VCV001477647.9), dbSNP rs2112463755, ClinGen allele CA359994517.